The following is an entry in ClinVar:

NM_000829.4(GRIA4):c.*4C>T

Gene: GRIA4 (glutamate ionotropic receptor AMPA type subunit 4; plus strand). Cytogenetic location: 11q22.3.
Variant type: single nucleotide variant.
Coding change: c.*4C>T on transcript NM_000829.4 (MANE Select); 4 bases downstream of the stop codon, C replaced by T.
Molecular consequence: 3 prime UTR variant. On other transcripts: non-coding transcript variant (1).
Genome position (GRCh38, 1-based): chr11:105,979,743, C>T. VCF-style: chr11-105979743-C-T. GRCh37 (hg19) VCF-style: chr11-105850470-C-T.
Other names: c.*171C>T (NM_001077243.3).
Identifiers: ClinVar variation 3384991 (VCV003384991.1).

ClinVar aggregate classification (germline): Uncertain significance (1 of 4 stars; one submission).

gnomAD v4.1: 1 of 1,606,944 alleles (0.000062%); highest among the groups gnomAD compares: Non-Finnish European, 0.000085%; no homozygotes.

Submission:

Women's Health and Genetics/Laboratory Corporation of America, LabCorp
Classification: Uncertain significance. Last evaluated: 2024-10-02. Review status: criteria provided, single submitter. Criteria: LabCorp Variant Classification Summary - May 2015. Collection method: clinical testing. Allele origin: germline.
Comment: Variant summary: GRIA4 c.*4C>T is located in the untranslated mRNA region downstream of the termination codon. The variant was absent in 247230 control chromosomes (gnomAD). The available data on variant occurrences in the general population are insufficient to allow any conclusion about variant significance. To our knowledge, no occurrence of c.*4C>T in individuals affected with Neurodevelopmental Disorder With Or Without Seizures And Gait Abnormalities and no experimental evidence demonstrating its impact on protein function have been reported. No submitters have cited clinical-significance assessments for this variant to ClinVar. Based on the evidence outlined above, the variant was classified as uncertain significance.